The following is an entry in ClinVar:

NM_001854.4(COL11A1):c.5331A>C (p.Gln1777His)

Gene: COL11A1 (collagen type XI alpha 1 chain; minus strand). Cytogenetic location: 1p21.1.
Variant type: single nucleotide variant.
Coding change: c.5331A>C on transcript NM_001854.4 (MANE Select); coding-DNA position 5331, A replaced by C.
Protein change: p.Gln1777His; replaces glutamine 1777 with histidine.
Molecular consequence: missense variant. On other transcripts: non-coding transcript variant (1).
Genome position (GRCh38, 1-based): chr1:102,878,109, T>G on the plus strand (A>C on the coding strand, the complement: COL11A1 is on the minus strand). VCF-style: chr1-102878109-T-G. GRCh37 (hg19) VCF-style: chr1-103343665-T-G.
Other names: c.4983A>C, p.Gln1661His (NM_001168249.1, NM_080630.4); c.5214A>C, p.Gln1738His (NM_001190709.2); c.5367A>C, p.Gln1789His (NM_080629.3); short protein forms Q1738H, Q1777H, Q1661H, Q1789H.
Identifiers: ClinVar variation 1993994 (VCV001993994.4), dbSNP rs2524144110, ClinGen allele CA341210582.

ClinVar aggregate classification (germline): Uncertain significance (1 of 4 stars; one submission).

Allele frequency attached by ClinVar (database versions not stated): gnomAD exomes below 0.00001.
gnomAD v4.1: 2 of 1,613,328 alleles (0.00012%); highest among the groups gnomAD compares: Non-Finnish European, 0.00017%; no homozygotes.

Submission:

Labcorp Genetics (formerly Invitae), Labcorp
Classification: Uncertain significance. Last evaluated: 2022-05-13. Review status: criteria provided, single submitter. Criteria: Invitae Variant Classification Sherloc (09022015). Collection method: clinical testing. Allele origin: germline.
Comment: Advanced modeling of protein sequence and biophysical properties (such as structural, functional, and spatial information, amino acid conservation, physicochemical variation, residue mobility, and thermodynamic stability) performed at Invitae indicates that this missense variant is not expected to disrupt COL11A1 protein function. This variant has not been reported in the literature in individuals affected with COL11A1-related conditions. This variant is not present in population databases (gnomAD no frequency). This sequence change replaces glutamine, which is neutral and polar, with histidine, which is basic and polar, at codon 1777 of the COL11A1 protein (p.Gln1777His). In summary, the available evidence is currently insufficient to determine the role of this variant in disease. Therefore, it has been classified as a Variant of Uncertain Significance.